The following is an entry in ClinVar:

NM_001033044.4(GLUL):c.167-6C>G

Gene: GLUL (glutamate-ammonia ligase; minus strand). Cytogenetic location: 1q25.3.
Variant type: single nucleotide variant.
Coding change: c.167-6C>G on transcript NM_001033044.4 (MANE Select); 6 bases into the intron before coding-DNA position 167, C replaced by G.
Molecular consequence: intron variant.
Genome position (GRCh38, 1-based): chr1:182,387,298, G>C on the plus strand (C>G on the coding strand, the complement: GLUL is on the minus strand). VCF-style: chr1-182387298-G-C. GRCh37 (hg19) VCF-style: chr1-182356433-G-C.
Other names: c.167-6C>G (NM_002065.7, NM_001033056.4).
Identifiers: ClinVar variation 3350801 (VCV003350801.1).

ClinVar aggregate classification (germline): Likely benign (0 of 4 stars; one submission).

Conditions:
GLUL-related disorder. Also called: GLUL-related condition.

gnomAD v4.1: 20 of 1,608,162 alleles (0.0012%); highest among the groups gnomAD compares: Middle Eastern, 0.016%; no homozygotes.

Submission:

PreventionGenetics, part of Exact Sciences
Classification: Likely benign for GLUL-related condition. Last evaluated: 2019-07-26. Review status: no assertion criteria provided. Collection method: clinical testing. Allele origin: germline.
Comment: This variant is classified as likely benign based on ACMG/AMP sequence variant interpretation guidelines (Richards et al. 2015 PMID: 25741868, with internal and published modifications).